The following is an entry in ClinVar:

ClinVar aggregate classification (germline): Conflicting classifications of pathogenicity. Review status: criteria provided, conflicting classifications (1 of 4 stars). 13 submissions from 13 submitters: Uncertain significance (1); Benign (1); Likely benign (9). 2 of the submissions do not count toward it. Last evaluated 2026-09-01.

Conditions:
TSC2-related disorder. Also called: TSC2-related condition; TSC2-Related Disorders.
Hereditary cancer-predisposing syndrome. Also called: Hereditary neoplastic syndrome; Hereditary Cancer Syndrome; Neoplastic Syndromes, Hereditary; Tumor predisposition. Identifiers: Orphanet 140162, MedGen C0027672, MeSH D009386, MONDO:0015356.
Tuberous sclerosis syndrome (TSC). Also called: Tuberous Sclerosis Complex; Tuberous sclerosis. Identifiers: Orphanet 805, MedGen C0041341, MONDO:0001734.
Tuberous sclerosis 2 (TSC2). Identifiers: Orphanet 805, MedGen C1860707, MONDO:0013199, OMIM 613254.

Allele frequency attached by ClinVar (database versions not stated): gnomAD exomes below 0.00001; ExAC 0.00002; gnomAD 0.00002; ESP Exome Variant Server 0.00008.
gnomAD v4.1: 13 of 1,611,036 alleles (0.00081%); highest among the groups gnomAD compares: Middle Eastern, 0.021%; no homozygotes.

Submissions (13):

CeGaT Center for Human Genetics Tuebingen
Classification: Likely benign. Last evaluated: 2026-09-01. Review status: criteria provided, single submitter. Criteria: CeGaT Center For Human Genetics Tuebingen Variant Classification Criteria Version 2. Collection method: clinical testing. Allele origin: germline. Affected: yes. Observed: 1 variant allele.
Comment: TSC2: BP4, BP7

PreventionGenetics, part of Exact Sciences
Classification: Likely benign for TSC2-related condition. Last evaluated: 2026-05-17. Review status: criteria provided, single submitter. Criteria: ACMG Guidelines, 2015. Collection method: clinical testing. Allele origin: germline.
Comment: This variant is classified as likely benign based on ACMG/AMP sequence variant interpretation guidelines (Richards et al. 2015 PMID: 25741868, with internal and published modifications).

Labcorp Genetics (formerly Invitae), Labcorp
Classification: Likely benign for Tuberous sclerosis 2. Last evaluated: 2026-01-21. Review status: criteria provided, single submitter. Criteria: Invitae Variant Classification Sherloc (09022015). Collection method: clinical testing. Allele origin: germline.

Myriad Genetics, Inc.
Classification: Benign for Tuberous sclerosis 2. Last evaluated: 2025-05-20. Review status: criteria provided, single submitter. Criteria: Myriad Autosomal Dominant, Autosomal Recessive and X-Linked Classification Criteria (2023). Collection method: clinical testing. Allele origin: unknown.
Comment: This variant is considered benign. This variant is a silent/synonymous amino acid change and it is not expected to impact splicing.

All of Us Research Program, National Institutes of Health
Classification: Likely benign for Tuberous sclerosis syndrome. Last evaluated: 2024-05-14. Review status: criteria provided, single submitter. Criteria: ACMG Guidelines, 2015. Collection method: clinical testing. Allele origin: germline. Inheritance: Autosomal dominant inheritance. Observed: 5 variant alleles, 5 heterozygotes.
Comment: This study involves interpretation of variants in research participants for the purpose of population health screening. Participant phenotype was not available at the time of variant classification. Additional details can be found in publication PMID: 35346344, PMCID: PMC8962531

Blueprint Genetics
Classification: Likely benign. Last evaluated: 2023-12-29. Review status: criteria provided, single submitter. Criteria: ACMG Guidelines, 2015. Collection method: clinical testing. Allele origin: germline.

Color Diagnostics, LLC DBA Color Health
Classification: Likely benign for Tuberous sclerosis syndrome. Last evaluated: 2022-09-26. Review status: criteria provided, single submitter. Criteria: ACMG Guidelines, 2015. Collection method: clinical testing. Allele origin: germline.

Genome-Nilou Lab
Classification: Likely benign for Tuberous sclerosis 2. Last evaluated: 2021-11-07. Review status: criteria provided, single submitter. Criteria: ACMG Guidelines, 2015. Collection method: clinical testing. Allele origin: germline. Affected: no.

GeneDx
Classification: Likely benign. Last evaluated: 2019-02-14. Review status: criteria provided, single submitter. Criteria: GeneDx Variant Classification Process June 2021. Collection method: clinical testing. Allele origin: germline. Affected: yes.

Ambry Genetics
Classification: Likely benign for Hereditary cancer-predisposing syndrome. Last evaluated: 2018-07-07. Review status: criteria provided, single submitter. Criteria: Ambry Variant Classification Scheme 2023. Collection method: clinical testing. Allele origin: germline.

Illumina Laboratory Services, Illumina
Classification: Uncertain significance for Tuberous sclerosis syndrome. Last evaluated: 2018-01-13. Review status: criteria provided, single submitter. Criteria: ICSL Variant Classification Criteria 13 December 2019. Collection method: clinical testing. Allele origin: germline.

Clinical Genetics, Academic Medical Center
Classification: Likely benign. Review status: no assertion criteria provided. Collection method: clinical testing. Allele origin: germline. Affected: yes. Study: VKGL Data-share Consensus. Not counted in ClinVar's aggregate classification.

Genome Diagnostics Laboratory, University Medical Center Utrecht
Classification: Likely benign. Review status: no assertion criteria provided. Collection method: clinical testing. Allele origin: germline. Affected: yes. Study: VKGL Data-share Consensus. Not counted in ClinVar's aggregate classification.

NM_000548.5(TSC2):c.2358C>T (p.Arg786=)

Gene: TSC2 (TSC complex subunit 2; plus strand). Cytogenetic location: 16p13.3.
Variant type: single nucleotide variant.
Coding change: c.2358C>T on transcript NM_000548.5 (MANE Select); coding-DNA position 2358, C replaced by T.
Protein change: p.Arg786=; no amino-acid change (arginine 786 retained).
Molecular consequence: synonymous variant.
Genome position (GRCh38, 1-based): chr16:2,074,202, C>T. VCF-style: chr16-2074202-C-T. GRCh37 (hg19) VCF-style: chr16-2124203-C-T.
Other names: c.2358C>T (NM_000548.4); c.2358C>T, p.Arg786= (NM_001077183.3, NM_001114382.3, NM_001363528.2 and 3 more transcripts); c.2247C>T, p.Arg749= (NM_001318827.2); c.2211C>T, p.Arg737= (NM_001318829.2); c.1758C>T, p.Arg586= (NM_001318831.2); c.2391C>T, p.Arg797= (NM_001318832.2).
Identifiers: ClinVar variation 237988 (VCV000237988.33), dbSNP rs372834284, ClinGen allele CA038732.